The following is an entry in ClinVar:

ClinVar aggregate classification (germline): Likely pathogenic (1 of 4 stars; one submission).

Conditions:
Epidermolysis bullosa dystrophica. Also called: Dystrophic epidermolysis bullosa, Hallopeau-Siemens type (formerly); Dystrophic epidermolysis bullosa. Identifiers: Orphanet 303, MedGen C0079294, MONDO:0006543.

Submission:

Natera, Inc.
Classification: Likely pathogenic for Dystrophic epidermolysis bullosa. Last evaluated: 2024-06-20. Review status: criteria provided, single submitter. Criteria: Natera Variant Classification Schema (03/2026). Collection method: clinical testing. Allele origin: germline.
Comment: The c.1877del variant in COL7A1 is a frameshift variant predicted to shift the reading frame beginning at codon 626 and leads to a stop codon 64 codons downstream. This variant is expected to result in nonsense mediated decay, truncation, or a dysfunctional protein product. This variant is rare in the general population with a frequency below the threshold expected for the associated phenotype(s). Given the available evidence, this variant is classified as Likely Pathogenic.

NM_000094.4(COL7A1):c.1877del (p.Gly626fs)

Gene: COL7A1 (collagen type VII alpha 1 chain; minus strand). Cytogenetic location: 3p21.31.
Variant type: Deletion.
Coding change: c.1877del on transcript NM_000094.4 (MANE Select); coding-DNA position 1877, one base deleted (G; older notation c.1877delG).
Protein change: p.Gly626fs; shifts the reading frame from glycine 626.
Molecular consequence: frameshift variant.
Genome position (GRCh38, 1-based): chr3:48,590,488, C deleted on the plus strand (G on the coding strand, the reverse complement: COL7A1 is on the minus strand); the first of 2 consecutive C bases (chr3:48,590,488-48,590,489); deleting either gives the same sequence. VCF-style (leftmost placement, unchanged base first): chr3-48590487-TC-T. GRCh37 (hg19) VCF-style: chr3-48627920-TC-T.
Other names: c.1876delG, p.Gly626Aspfs (NM_000094.3); short protein forms G626fs.
Identifiers: ClinVar variation 4817357 (VCV004817357.1).